The following is an entry in ClinVar:

NM_001114753.3(ENG):c.1007C>T (p.Thr336Ile)

Gene: ENG (endoglin; minus strand). Cytogenetic location: 9q34.11.
Variant type: single nucleotide variant.
Coding change: c.1007C>T on transcript NM_001114753.3 (MANE Select); coding-DNA position 1007, C replaced by T.
Protein change: p.Thr336Ile; replaces threonine 336 with isoleucine.
Molecular consequence: missense variant.
Genome position (GRCh38, 1-based): chr9:127,824,431, G>A on the plus strand (C>T on the coding strand, the complement: ENG is on the minus strand). VCF-style: chr9-127824431-G-A. GRCh37 (hg19) VCF-style: chr9-130586710-G-A.
Other names: c.1007C>T, p.Thr336Ile (NM_000118.4, NM_001406715.1); c.461C>T, p.Thr154Ile (NM_001278138.2); short protein forms T154I, T336I.
Identifiers: ClinVar variation 5035989 (VCV005035989.1).

ClinVar aggregate classification (germline): Uncertain significance (1 of 4 stars; one submission).

Conditions:
Cardiovascular phenotype. Identifiers: MedGen CN230736.

Submission:

Ambry Genetics
Classification: Uncertain significance for Cardiovascular phenotype. Last evaluated: 2026-08-25. Review status: criteria provided, single submitter. Criteria: Ambry Variant Classification Scheme 2023. Collection method: clinical testing. Allele origin: germline.
Comment: The p.T336I variant (also known as c.1007C>T), located in coding exon 8 of the ENG gene, results from a C to T substitution at nucleotide position 1007. The threonine at codon 336 is replaced by isoleucine, an amino acid with similar properties. This amino acid position is conserved. In addition, this alteration is predicted to be tolerated by in silico analysis. Based on the available evidence, the clinical significance of this variant remains unclear.